The following is an entry in ClinVar:

NM_000264.5(PTCH1):c.181G>A (p.Ala61Thr)

Gene: PTCH1 (patched 1; minus strand). Cytogenetic location: 9q22.32.
Variant type: single nucleotide variant.
Coding change: c.181G>A on transcript NM_000264.5 (MANE Select); coding-DNA position 181, G replaced by A.
Protein change: p.Ala61Thr; replaces alanine 61 with threonine.
Molecular consequence: missense variant. On other transcripts: non-coding transcript variant (1), intron variant (3).
Genome position (GRCh38, 1-based): chr9:95,508,181, C>T on the plus strand (G>A on the coding strand, the complement: PTCH1 is on the minus strand). VCF-style: chr9-95508181-C-T. GRCh37 (hg19) VCF-style: chr9-98270463-C-T.
Other names: c.181G>A, p.Ala61Thr (NM_001354918.2); c.199-1582G>A (NM_001083603.3); c.4-1582G>A (NM_001083602.3, NM_001354919.2); c.181G>A (NM_000264.4); short protein forms A61T.
Identifiers: ClinVar variation 409215 (VCV000409215.27), dbSNP rs150069331, ClinGen allele CA5139032.

ClinVar aggregate classification (germline): Conflicting classifications of pathogenicity. Review status: criteria provided, conflicting classifications (1 of 4 stars). 9 submissions from 9 submitters: Uncertain significance (6); Benign (1); Likely benign (2). Last evaluated 2026-07-14.

Conditions:
Hereditary cancer-predisposing syndrome. Also called: Neoplastic Syndromes, Hereditary; Tumor predisposition; Hereditary Cancer Syndrome; Hereditary neoplastic syndrome. Identifiers: Orphanet 140162, MedGen C0027672, MeSH D009386, MONDO:0015356.
Basal cell carcinoma, susceptibility to, 1. Also called: BCC1. Identifiers: MedGen C2751544, MONDO:0011556, OMIM 605462.
Gorlin syndrome. Also called: Nevoid Basal Cell Carcinoma Syndrome; Basal cell nevus syndrome. Identifiers: Orphanet 377, MedGen C0004779, MONDO:0007187.
Holoprosencephaly 7 (HPE7). Identifiers: Orphanet 2162, MedGen C1835820, MONDO:0012562, OMIM 610828.
PTCH1-related disorder. Also called: PTCH1-related disorders; PTCH1-related condition.

Allele frequency attached by ClinVar (database versions not stated): TOPMed 0.00006; ExAC 0.00008; ESP Exome Variant Server 0.00008; gnomAD 0.00008; gnomAD exomes 0.00008 and 0.00014; 1000 Genomes Project 0.00020; 1000 Genomes Project 30x 0.00031.
gnomAD v4.1: 221 of 1,612,754 alleles (0.014%); highest among the groups gnomAD compares: Non-Finnish European, 0.018%; no homozygotes.

Submissions (9):

PreventionGenetics, part of Exact Sciences
Classification: Uncertain significance for PTCH1-related condition. Last evaluated: 2026-07-14. Review status: criteria provided, single submitter. Criteria: ACMG Guidelines, 2015. Collection method: clinical testing. Allele origin: germline.
Comment: The PTCH1 c.181G>A variant is predicted to result in the amino acid substitution p.Ala61Thr. To our knowledge, this variant has not been reported in the literature. This variant is reported in 0.014% of alleles in individuals of European (Non-Finnish) descent in gnomAD and has conflicting interpretations in ClinVar, ranging from uncertain to benign (Variation ID: 409215). Although we suspect that this variant may be benign, at this time, the clinical significance of this variant is uncertain due to the absence of conclusive functional and genetic evidence.

Labcorp Genetics (formerly Invitae), Labcorp
Classification: Benign for Gorlin syndrome. Last evaluated: 2026-01-18. Review status: criteria provided, single submitter. Criteria: Invitae Variant Classification Sherloc (09022015). Collection method: clinical testing. Allele origin: germline.

Quest Diagnostics Nichols Institute San Juan Capistrano
Classification: Uncertain significance. Last evaluated: 2024-12-05. Review status: criteria provided, single submitter. Criteria: Quest Diagnostics criteria. Collection method: clinical testing. Allele origin: unknown.
Comment: The PTCH1 c.181G>A (p.Ala61Thr) variant has not been reported in individuals with PTCH1-related conditions in the published literature. The frequency of this variant in the general population (Genome Aggregation Database) is higher than would generally be expected for pathogenic variants in this gene. Analysis of this variant using bioinformatics tools for the prediction of the effect of amino acid changes on protein structure and function yielded predictions that this variant is damaging. Based on the available information, we are unable to determine the clinical significance of this variant.

Blueprint Genetics
Classification: Likely benign. Last evaluated: 2023-01-18. Review status: criteria provided, single submitter. Criteria: ACMG Guidelines, 2015. Collection method: clinical testing. Allele origin: germline.

Ambry Genetics
Classification: Likely benign for Hereditary cancer-predisposing syndrome. Last evaluated: 2021-12-01. Review status: criteria provided, single submitter. Criteria: Ambry Variant Classification Scheme 2023. Collection method: clinical testing. Allele origin: germline.

Sema4
Classification: Uncertain significance for Hereditary cancer-predisposing syndrome. Last evaluated: 2021-05-13. Review status: criteria provided, single submitter. Criteria: Sema4 Curation Guidelines. Collection method: curation. Allele origin: germline.
Comment: The PTCH1 c.181G>A (p.A61T) variant has not been reported in the literature to our knowledge. It was observed in 18/126674 chromosomes of the Non-Finnish European subpopulation, with no homozygotes, in the large and broad cohorts of the Genome Aggregation Database. The variant has been reported in ClinVar (Variation ID: 409215). Computational analyses and evolutionary conservation data do not provide strong support for or against an impact to the protein, however these predictions have not been confirmed by published functional studies. The evidence is insufficient to meet ACMG/AMP criteria for classifying the variant as benign or pathogenic. Thus, the clinical significance of this variant is currently uncertain.

GeneDx
Classification: Uncertain significance. Last evaluated: 2019-02-28. Review status: criteria provided, single submitter. Criteria: GeneDx Variant Classification Process June 2021. Collection method: clinical testing. Allele origin: germline. Affected: yes.
Comment: In silico analysis, which includes protein predictors and evolutionary conservation, supports that this variant does not alter protein structure/function; Has not been previously published as pathogenic or benign to our knowledge

Fulgent Genetics
Classification: Uncertain significance for Basal cell nevus syndrome 1; Basal cell carcinoma, susceptibility to, 1; Holoprosencephaly 7. Last evaluated: 2018-10-31. Review status: criteria provided, single submitter. Criteria: ACMG Guidelines, 2015. Collection method: clinical testing. Allele origin: unknown.

Eurofins Ntd Llc (ga)
Classification: Uncertain significance. Last evaluated: 2018-05-25. Review status: criteria provided, single submitter. Criteria: EGL ClinVar v180209 classification definitions. Collection method: clinical testing. Allele origin: germline. Observed: 1 variant allele, 1 heterozygote.